The following is an entry in ClinVar:

ClinVar aggregate classification (germline): Conflicting classifications of pathogenicity. Review status: criteria provided, conflicting classifications (1 of 4 stars). 9 submissions from 9 submitters: Uncertain significance (7); Likely benign (2). Last evaluated 2026-04-13.

Conditions:
Familial adenomatous polyposis 1 (FAP1). Also called: POLYPOSIS, ADENOMATOUS INTESTINAL; FAMILIAL ADENOMATOUS POLYPOSIS 1, ATTENUATED. Identifiers: MedGen C2713442, MONDO:0021056, OMIM 175100. Disease mechanism: loss of function.
Gastric adenocarcinoma and proximal polyposis of the stomach (GAPPS). Also called: Gastric Adenocarcinoma and Proximal Polyposis of the Stomach (GAPPS); Polyposis, gastric, Dos Santos and de Magalhaes 1980; POLYPOSIS, GASTRIC. Identifiers: Orphanet 314022, MedGen C4749917, MONDO:0017790, OMIM 619182.
Attenuated familial adenomatous polyposis (AFAP). Also called: Attenuated FAP. Identifiers: Orphanet 220460, MedGen C2674616, MONDO:0016362.
Classic or attenuated familial adenomatous polyposis. Identifiers: MedGen CN372698, MONDO:0021057.
APC-related disorder. Also called: APC-related condition.
Hereditary cancer-predisposing syndrome. Also called: Neoplastic Syndromes, Hereditary; Hereditary neoplastic syndrome; Hereditary Cancer Syndrome; Tumor predisposition. Identifiers: Orphanet 140162, MedGen C0027672, MeSH D009386, MONDO:0015356.

Allele frequency attached by ClinVar (database versions not stated): gnomAD exomes 0.00001; ExAC 0.00002; gnomAD 0.00003 and 0.00004; TOPMed 0.00003.
gnomAD v4.1: 28 of 1,600,244 alleles (0.0017%); highest among the groups gnomAD compares: African/African-American, 0.0067%; no homozygotes.

Submissions (9):

PreventionGenetics, part of Exact Sciences
Classification: Uncertain significance for APC-related condition. Last evaluated: 2026-04-13. Review status: criteria provided, single submitter. Criteria: ACMG Guidelines, 2015. Collection method: clinical testing. Allele origin: germline.
Comment: The APC c.8402G>A variant is predicted to result in the amino acid substitution p.Arg2801Gln. To our knowledge, this variant has not been reported in the literature. This variant is reported in 0.016% of alleles in individuals of African descent in gnomAD. This variant has conflicting interpretations in ClinVar ranging from uncertain to likely benign (Variation ID: 245699). At this time, the clinical significance of this variant is uncertain due to the absence of conclusive functional and genetic evidence.

Labcorp Genetics (formerly Invitae), Labcorp
Classification: Uncertain significance for Familial adenomatous polyposis 1. Last evaluated: 2025-12-22. Review status: criteria provided, single submitter. Criteria: Invitae Variant Classification Sherloc (09022015). Collection method: clinical testing. Allele origin: germline.
Comment: This sequence change replaces arginine, which is basic and polar, with glutamine, which is neutral and polar, at codon 2801 of the APC protein (p.Arg2801Gln). This variant is present in population databases (rs754363694, gnomAD 0.02%). This variant has not been reported in the literature in individuals affected with APC-related conditions. ClinVar contains an entry for this variant (Variation ID: 245699). Invitae Evidence Modeling of protein sequence and biophysical properties (such as structural, functional, and spatial information, amino acid conservation, physicochemical variation, residue mobility, and thermodynamic stability) indicates that this missense variant is not expected to disrupt APC protein function with a negative predictive value of 95%. In summary, the available evidence is currently insufficient to determine the role of this variant in disease. Therefore, it has been classified as a Variant of Uncertain Significance.

Color Diagnostics, LLC DBA Color Health
Classification: Likely benign for Hereditary cancer-predisposing syndrome. Last evaluated: 2025-11-18. Review status: criteria provided, single submitter. Criteria: ACMG Guidelines, 2015. Collection method: clinical testing. Allele origin: germline.

All of Us Research Program, National Institutes of Health
Classification: Uncertain significance for Classic or attenuated familial adenomatous polyposis. Last evaluated: 2024-02-05. Review status: criteria provided, single submitter. Criteria: ACMG Guidelines, 2015. Collection method: clinical testing. Allele origin: germline. Inheritance: Autosomal dominant inheritance. Observed: 3 variant alleles, 3 heterozygotes.
Comment: This missense variant replaces arginine with glutamine at codon 2801 of the APC protein. Computational prediction suggests that this variant may not impact protein structure and function (internally defined REVEL score threshold <= 0.5, PMID: 27666373). To our knowledge, functional studies have not been reported for this variant. This variant has not been reported in individuals affected with APC-related disorders in the literature. This variant has been identified in 4/269104 chromosomes in the general population by the Genome Aggregation Database (gnomAD). The available evidence is insufficient to determine the role of this variant in disease conclusively. Therefore, this variant is classified as a Variant of Uncertain Significance.

This study involves interpretation of variants in research participants for the purpose of population health screening. Participant phenotype was not available at the time of variant classification. Additional details can be found in publication PMID: 35346344, PMCID: PMC8962531

Baylor Genetics
Classification: Uncertain significance for Familial adenomatous polyposis 1. Last evaluated: 2024-01-11. Review status: criteria provided, single submitter. Criteria: ACMG Guidelines, 2015. Collection method: clinical testing. Allele origin: unknown.

GeneDx
Classification: Uncertain significance. Last evaluated: 2023-11-07. Review status: criteria provided, single submitter. Criteria: GeneDx Variant Classification Process June 2021. Collection method: clinical testing. Allele origin: germline. Affected: yes.
Comment: Not observed at significant frequency in large population cohorts (gnomAD); In silico analysis supports that this missense variant does not alter protein structure/function; Has not been previously published as pathogenic or benign to our knowledge; This variant is associated with the following publications: (PMID: 18199528)

Ambry Genetics
Classification: Likely benign for Hereditary cancer-predisposing syndrome. Last evaluated: 2023-04-13. Review status: criteria provided, single submitter. Criteria: Ambry Variant Classification Scheme 2023. Collection method: clinical testing. Allele origin: germline.

Sema4
Classification: Uncertain significance for Hereditary cancer-predisposing syndrome. Last evaluated: 2021-09-30. Review status: criteria provided, single submitter. Criteria: Sema4 Curation Guidelines. Collection method: curation. Allele origin: germline.
Comment: To the best of our knowledge, the APC c.8402G>A (p.R2801Q) variant has not been reported in individuals with APC-related disease. This variant was observed in 4/24720 chromosomes in the African/African American subpopulation according to the Genome Aggregation Database (PMID: 32461654). The variant has been reported in ClinVar (Variation ID: 245699). Functional studies have not been performed, and in silico predictions of the variant's effect on protein function are inconclusive. The evidence is insufficient to meet ACMG/AMP criteria for classifying the variant as benign or pathogenic. Thus, the clinical significance of this variant is currently uncertain.

Quest Diagnostics Nichols Institute San Juan Capistrano
Classification: Uncertain significance. Last evaluated: 2020-02-12. Review status: criteria provided, single submitter. Criteria: Quest Diagnostics criteria. Collection method: clinical testing. Allele origin: unknown.

NM_000038.6(APC):c.8402G>A (p.Arg2801Gln)

Gene: APC (APC regulator of Wnt signaling pathway; plus strand). Cytogenetic location: 5q22.2.
Variant type: single nucleotide variant.
Coding change: c.8402G>A on transcript NM_000038.6 (MANE Select); coding-DNA position 8402, G replaced by A.
Protein change: p.Arg2801Gln; replaces arginine 2801 with glutamine.
Molecular consequence: missense variant.
Genome position (GRCh38, 1-based): chr5:112,843,996, G>A. VCF-style: chr5-112843996-G-A. GRCh37 (hg19) VCF-style: chr5-112179693-G-A.
Other names: c.8402G>A, p.Arg2801Gln (NM_001127510.3, NM_001354895.2); c.8348G>A, p.Arg2783Gln (NM_001127511.3); c.8456G>A, p.Arg2819Gln (NM_001354896.2); c.8432G>A, p.Arg2811Gln (NM_001354897.2); c.8327G>A, p.Arg2776Gln (NM_001354898.2); c.8318G>A, p.Arg2773Gln (NM_001354899.2); c.8279G>A, p.Arg2760Gln (NM_001354900.2); c.8225G>A, p.Arg2742Gln (NM_001354901.2); and 5 more; short protein forms R2783Q, R2801Q, R2700Q, R2773Q, R2811Q, R2518Q, R2710Q, R2742Q.
Identifiers: ClinVar variation 245699 (VCV000245699.30), dbSNP rs754363694, ClinGen allele CA050715.
Genomic context (GRCh38, chr5:112,843,996, plus strand): 5'-TGACTCCTTTTAATTACAACCCAAGCCCTAGGAAAAGCAGCGCAGATAGCACTTCAGCTC[G>A]GCCATCTCAGATCCCAACTCCAGTGAATAACAACACAAAGAAGCGAGATTCCAAAACTGA-3'
Protein context (NP_000029.2, residues 2791-2811): RKSSADSTSA[Arg2801Gln]PSQIPTPVNN